The following is an entry in ClinVar:

NM_000152.5(GAA):c.656G>A (p.Gly219Glu)

Gene: GAA (alpha glucosidase; plus strand). Cytogenetic location: 17q25.3.
Variant type: single nucleotide variant.
Coding change: c.656G>A on transcript NM_000152.5 (MANE Select); coding-DNA position 656, G replaced by A.
Protein change: p.Gly219Glu; replaces glycine 219 with glutamic acid.
Molecular consequence: missense variant.
Genome position (GRCh38, 1-based): chr17:80,105,858, G>A. VCF-style: chr17-80105858-G-A. GRCh37 (hg19) VCF-style: chr17-78079657-G-A.
Other names: c.656G>A, p.Gly219Glu (NM_001079803.3, NM_001079804.3, NM_001406741.1 and 1 more transcripts); short protein forms G219E.
Identifiers: ClinVar variation 2697707 (VCV002697707.3), dbSNP rs2510350807, ClinGen allele CA401362463.

ClinVar aggregate classification (germline): Likely pathogenic (1 of 4 stars; one submission).

Conditions:
Glycogen storage disease, type II (IOPD). Also called: Glucosidase acid-1,4-alpha deficiency; Pompe Disease; Glycogen storage disease type 2; Acid maltase deficiency disease; Aglucosidase alfa; Deficiency of alpha-glucosidase. Identifiers: Orphanet 365, MedGen C0017921, MONDO:0009290, OMIM 232300.

Submission:

Labcorp Genetics (formerly Invitae), Labcorp
Classification: Likely pathogenic for Glycogen storage disease, type II. Last evaluated: 2023-11-20. Review status: criteria provided, single submitter. Criteria: Invitae Variant Classification Sherloc (09022015). Collection method: clinical testing. Allele origin: germline.
Comment: This sequence change replaces glycine, which is neutral and non-polar, with glutamic acid, which is acidic and polar, at codon 219 of the GAA protein (p.Gly219Glu). This variant is not present in population databases (gnomAD no frequency). This variant has not been reported in the literature in individuals affected with GAA-related conditions. Advanced modeling of protein sequence and biophysical properties (such as structural, functional, and spatial information, amino acid conservation, physicochemical variation, residue mobility, and thermodynamic stability) performed at Invitae indicates that this missense variant is expected to disrupt GAA protein function with a positive predictive value of 95%. This variant disrupts the p.Gly219 amino acid residue in GAA. Other variant(s) that disrupt this residue have been determined to be pathogenic (PMID: 11738358, 14695532, 18429042, 21550241, 23266370, 23601496, 23787031, 29124014). This suggests that this residue is clinically significant, and that variants that disrupt this residue are likely to be disease-causing. In summary, the currently available evidence indicates that the variant is pathogenic, but additional data are needed to prove that conclusively. Therefore, this variant has been classified as Likely Pathogenic.

Literature cited by the submitters: PubMed 11738358; PubMed 14695532; PubMed 18429042; PubMed 21550241; PubMed 23266370; PubMed 23601496; PubMed 23787031; PubMed 29124014.